The following is an entry in ClinVar:

NM_003579.4(RAD54L):c.1505A>G (p.Asp502Gly)

Gene: RAD54L (RAD54 like; plus strand). Cytogenetic location: 1p34.1.
Variant type: single nucleotide variant.
Coding change: c.1505A>G on transcript NM_003579.4 (MANE Select); coding-DNA position 1505, A replaced by G.
Protein change: p.Asp502Gly; replaces aspartic acid 502 with glycine.
Molecular consequence: missense variant.
Genome position (GRCh38, 1-based): chr1:46,273,642, A>G. VCF-style: chr1-46273642-A-G. GRCh37 (hg19) VCF-style: chr1-46739314-A-G.
Other names: c.1505A>G, p.Asp502Gly (NM_001142548.2); c.965A>G, p.Asp322Gly (NM_001370766.1); short protein forms D502G, D322G.
Identifiers: ClinVar variation 2447803 (VCV002447803.2), dbSNP rs767085337, ClinGen allele CA834629.

ClinVar aggregate classification (germline): Uncertain significance (1 of 4 stars; one submission).

Allele frequency attached by ClinVar (database versions not stated): gnomAD exomes below 0.00001; ExAC 0.00001.
gnomAD v4.1: 3 of 1,613,792 alleles (0.00019%); highest among the groups gnomAD compares: Non-Finnish European, 0.00025%; no homozygotes.

Submission:

Ambry Genetics
Classification: Uncertain significance. Last evaluated: 2023-01-15. Review status: criteria provided, single submitter. Criteria: Ambry Variant Classification Scheme 2023. Collection method: clinical testing. Allele origin: germline.
Comment: The p.D502G variant (also known as c.1505A>G), located in coding exon 14 of the RAD54L gene, results from an A to G substitution at nucleotide position 1505. The aspartic acid at codon 502 is replaced by glycine, an amino acid with similar properties. This amino acid position is conserved. In addition, this alteration is predicted to be deleterious by in silico analysis. Since supporting evidence is limited at this time, the clinical significance of this alteration remains unclear.